The following is an entry in ClinVar:

ClinVar aggregate classification (germline): Conflicting classifications of pathogenicity. Review status: criteria provided, conflicting classifications (1 of 4 stars). 4 submissions from 4 submitters: Uncertain significance (2); Likely benign (1). 1 of the submissions does not count toward it. Last evaluated 2025-07-23.

Conditions:
WDR35-related disorder. Also called: WDR35-related disorders; WDR35-related condition. Identifiers: MedGen CN239419.
Cranioectodermal dysplasia 2 (CED2). Identifiers: Orphanet 1515, MedGen C3150874, MONDO:0013323, OMIM 613610.
Short-rib thoracic dysplasia 7 with or without polydactyly (SRTD7). Also called: Short rib polydactyly syndrome 5; SHORT-RIB THORACIC DYSPLASIA 7 WITH POLYDACTYLY. Identifiers: Orphanet 498497, Orphanet 93271, MedGen C3279792, MONDO:0013569, OMIM 614091.

Allele frequency attached by ClinVar (database versions not stated): gnomAD exomes 0.00003 and 0.00015; ExAC 0.00015; ESP Exome Variant Server 0.00054; gnomAD 0.00054 and 0.00059; TOPMed 0.00065; 1000 Genomes Project 0.00100; 1000 Genomes Project 30x 0.00109.
gnomAD v4.1: 135 of 1,609,456 alleles (0.0084%); highest among the groups gnomAD compares: African/African-American, 0.15%; no homozygotes.

Submissions (4):

Labcorp Genetics (formerly Invitae), Labcorp
Classification: Likely benign for Cranioectodermal dysplasia 2; Short-rib thoracic dysplasia 7 with or without polydactyly. Last evaluated: 2025-07-23. Review status: criteria provided, single submitter. Criteria: Invitae Variant Classification Sherloc (09022015). Collection method: clinical testing. Allele origin: germline.

ARUP Laboratories, Molecular Genetics and Genomics, ARUP Laboratories
Classification: Uncertain significance. Last evaluated: 2021-10-11. Review status: criteria provided, single submitter. Criteria: ARUP Molecular Germline Variant Investigation Process 2021. Collection method: clinical testing. Allele origin: germline.
Comment: The WDR35 c.1260A>G; p.Thr420= variant (rs148828104) to our knowledge, is not reported in the medical literature but is reported in ClinVar (Variation ID: 283601). This variant is found in the African population with an allele frequency of 0.2% (45/24,854 alleles) in the Genome Aggregation Database. This is a synonymous variant in a weakly conserved nucleotide, but computational analyses (Alamut v.2.11) predict that this variant may impact splicing by creating a novel cryptic donor splice site that is as strong as the native donor splice site downstream. Due to limited information, the clinical significance of the p.Thr420= variant is uncertain at this time.

Eurofins Ntd Llc (ga)
Classification: Uncertain significance. Last evaluated: 2015-10-08. Review status: criteria provided, single submitter. Criteria: EGL Classification Definitions 2015. Collection method: clinical testing. Allele origin: germline. Observed: 1 variant allele, 1 heterozygote.

PreventionGenetics, part of Exact Sciences
Classification: Likely benign for WDR35-related condition. Last evaluated: 2022-01-27. Review status: no assertion criteria provided. Collection method: clinical testing. Allele origin: germline. Not counted in ClinVar's aggregate classification.
Comment: This variant is classified as likely benign based on ACMG/AMP sequence variant interpretation guidelines (Richards et al. 2015 PMID: 25741868, with internal and published modifications).

NM_020779.4(WDR35):c.1227A>G (p.Thr409=)

Gene: WDR35 (WD repeat domain 35; minus strand). Cytogenetic location: 2p24.1.
Variant type: single nucleotide variant.
Coding change: c.1227A>G on transcript NM_020779.4 (MANE Select); coding-DNA position 1227, A replaced by G.
Protein change: p.Thr409=; no amino-acid change (threonine 409 retained).
Molecular consequence: synonymous variant.
Genome position (GRCh38, 1-based): chr2:19,960,582, T>C on the plus strand (A>G on the coding strand, the complement: WDR35 is on the minus strand). VCF-style: chr2-19960582-T-C. GRCh37 (hg19) VCF-style: chr2-20160343-T-C.
Other names: c.1260A>G, p.Thr420= (NM_001006657.2).
Identifiers: ClinVar variation 283601 (VCV000283601.21), dbSNP rs148828104, ClinGen allele CA1543294.
Genomic context (GRCh38, chr2:19,960,582, plus strand): 5'-TGGAAAAGAAATAAATATCAACATTTCCTTACCAATATCAATGTATTTGGGATCCAAGGG[T>C]GTACCAATAGAATTACAAAGAACTAGTACAAACTGTGAACAAATAAAACAAAAAGTATCA-3'
Protein context (NP_065830.2, residues 399-419): FVLVLCNSIG[Thr409=]PLDPKYIDIV